The following is an entry in ClinVar:

NM_001079802.2(FKTN):c.872T>C (p.Leu291Ser)

Gene: FKTN (fukutin; plus strand). Cytogenetic location: 9q31.2.
Variant type: single nucleotide variant.
Coding change: c.872T>C on transcript NM_001079802.2 (MANE Select); coding-DNA position 872, T replaced by C.
Protein change: p.Leu291Ser; replaces leucine 291 with serine.
Molecular consequence: missense variant. On other transcripts: non-coding transcript variant (1).
Genome position (GRCh38, 1-based): chr9:105,615,369, T>C. VCF-style: chr9-105615369-T-C. GRCh37 (hg19) VCF-style: chr9-108377650-T-C.
Other names: c.872T>C, p.Leu291Ser (NM_001198963.2, NM_001351496.2, NM_001351498.2 and 1 more transcripts); c.803T>C, p.Leu268Ser (NM_001351497.2); c.476T>C, p.Leu159Ser (NM_001351499.2, NM_001351500.2, NM_001351501.2 and 1 more transcripts); short protein forms L291S, L159S, L268S.
Identifiers: ClinVar variation 3850542 (VCV003850542.1).
Genomic context (GRCh38, chr9:105,615,369, plus strand): 5'-TGGCCTTTCGGAAGAGTGCAAAGGAATTACTGCAACTAGCAGCGAAAACATTAAACAAAT[T>C]GGGAGTACCATTCTGGCTGAGCAGTGGAACTTGTCTAGGTAAAATTCTTACGACTTTCCA-3'
Protein context (NP_001073270.1, residues 281-301): LQLAAKTLNK[Leu291Ser]GVPFWLSSGT

ClinVar aggregate classification (germline): Uncertain significance (1 of 4 stars; one submission).

Conditions:
Cardiovascular phenotype. Identifiers: MedGen CN230736.

Submission:

Ambry Genetics
Classification: Uncertain significance for Cardiovascular phenotype. Last evaluated: 2025-02-13. Review status: criteria provided, single submitter. Criteria: Ambry Variant Classification Scheme 2023. Collection method: clinical testing. Allele origin: germline.
Comment: The p.L291S variant (also known as c.872T>C), located in coding exon 6 of the FKTN gene, results from a T to C substitution at nucleotide position 872. The leucine at codon 291 is replaced by serine, an amino acid with dissimilar properties. This amino acid position is conserved. In addition, this alteration is predicted to be deleterious by in silico analysis. Based on the available evidence, the clinical significance of this variant remains unclear.